The following is an entry in ClinVar:

ClinVar aggregate classification (germline): Uncertain significance (1 of 4 stars; one submission).

Conditions:
Familial cancer of breast. Also called: Hereditary breast cancer; hereditary breast carcinoma; BREAST CANCER, FAMILIAL. Identifiers: Orphanet 227535, MedGen C0346153, MONDO:0016419, OMIM 114480. Disease mechanism: loss of function.

Submission:

Labcorp Genetics (formerly Invitae), Labcorp
Classification: Uncertain significance for Familial cancer of breast. Last evaluated: 2024-08-20. Review status: criteria provided, single submitter. Criteria: Invitae Variant Classification Sherloc (09022015). Collection method: clinical testing. Allele origin: germline.
Comment: This sequence change replaces glycine, which is neutral and non-polar, with serine, which is neutral and polar, at codon 373 of the BARD1 protein (p.Gly373Ser). This variant is not present in population databases (gnomAD no frequency). This variant has not been reported in the literature in individuals affected with BARD1-related conditions. An algorithm developed to predict the effect of missense changes on protein structure and function (PolyPhen-2) suggests that this variant is likely to be tolerated. In summary, the available evidence is currently insufficient to determine the role of this variant in disease. Therefore, it has been classified as a Variant of Uncertain Significance.

NM_000465.4(BARD1):c.1117G>A (p.Gly373Ser)

Gene: BARD1 (BRCA1 associated RING domain 1; minus strand). Cytogenetic location: 2q35.
Variant type: single nucleotide variant.
Coding change: c.1117G>A on transcript NM_000465.4 (MANE Select); coding-DNA position 1117, G replaced by A.
Protein change: p.Gly373Ser; replaces glycine 373 with serine.
Molecular consequence: missense variant. On other transcripts: non-coding transcript variant (2), intron variant (3).
Genome position (GRCh38, 1-based): chr2:214,780,757, C>T on the plus strand (G>A on the coding strand, the complement: BARD1 is on the minus strand). VCF-style: chr2-214780757-C-T. GRCh37 (hg19) VCF-style: chr2-215645481-C-T.
Other names: c.1060G>A, p.Gly354Ser (NM_001282543.2); c.159-28202G>A (NM_001282548.2); c.215+16304G>A (NM_001282545.2); c.364+11540G>A (NM_001282549.2); short protein forms G373S, G354S.
Identifiers: ClinVar variation 3662980 (VCV003662980.2).